The following is an entry in ClinVar:

NM_006302.3(MOGS):c.667G>A (p.Ala223Thr)

Gene: MOGS (mannosyl-oligosaccharide glucosidase; minus strand). Cytogenetic location: 2p13.1.
Variant type: single nucleotide variant.
Coding change: c.667G>A on transcript NM_006302.3 (MANE Select); coding-DNA position 667, G replaced by A.
Protein change: p.Ala223Thr; replaces alanine 223 with threonine.
Molecular consequence: missense variant.
Genome position (GRCh38, 1-based): chr2:74,463,299, C>T on the plus strand (G>A on the coding strand, the complement: MOGS is on the minus strand). VCF-style: chr2-74463299-C-T. GRCh37 (hg19) VCF-style: chr2-74690426-C-T.
Other names: c.349G>A, p.Ala117Thr (NM_001146158.2); short protein forms A117T, A223T.
Identifiers: ClinVar variation 3366721 (VCV003366721.1).

ClinVar aggregate classification (germline): Uncertain significance (1 of 4 stars; one submission).

gnomAD v4.1: 1 of 1,614,192 alleles (0.000062%); highest among the groups gnomAD compares: Non-Finnish European, 0.000085%; no homozygotes.

Submission:

Women's Health and Genetics/Laboratory Corporation of America, LabCorp
Classification: Uncertain significance. Last evaluated: 2024-08-19. Review status: criteria provided, single submitter. Criteria: LabCorp Variant Classification Summary - May 2015. Collection method: clinical testing. Allele origin: germline.
Comment: Variant summary: MOGS c.667G>A (p.Ala223Thr) results in a non-conservative amino acid change located in the Glycosyl hydrolase family 63, N-terminal domain (IPR031631) of the encoded protein sequence. Four of five in-silico tools predict a benign effect of the variant on protein function. The variant was absent in 249586 control chromosomes. The available data on variant occurrences in the general population are insufficient to allow any conclusion about variant significance. To our knowledge, no occurrence of c.667G>A in individuals affected with MOGS-Congenital Disorder Of Glycosylation and no experimental evidence demonstrating its impact on protein function have been reported. No submitters have cited clinical-significance assessments for this variant to ClinVar. Based on the evidence outlined above, the variant was classified as uncertain significance.